The following is an entry in ClinVar:

ClinVar aggregate classification (germline): Uncertain significance (1 of 4 stars; one submission).

Conditions:
Brunner syndrome (BRNRS). Identifiers: Orphanet 3057, MedGen C0796275, MONDO:0010379, OMIM 300615.

Submission:

Labcorp Genetics (formerly Invitae), Labcorp
Classification: Uncertain significance for Brunner syndrome. Last evaluated: 2024-01-19. Review status: criteria provided, single submitter. Criteria: Invitae Variant Classification Sherloc (09022015). Collection method: clinical testing. Allele origin: germline.
Comment: This sequence change falls in intron 14 of the MAOA gene. It does not directly change the encoded amino acid sequence of the MAOA protein. It affects a nucleotide within the consensus splice site. This variant is not present in population databases (gnomAD no frequency). This variant has not been reported in the literature in individuals affected with MAOA-related conditions. ClinVar contains an entry for this variant (Variation ID: 2106514). Variants that disrupt the consensus splice site are a relatively common cause of aberrant splicing (PMID: 17576681, 9536098). Algorithms developed to predict the effect of sequence changes on RNA splicing suggest that this variant is not likely to affect RNA splicing. In summary, the available evidence is currently insufficient to determine the role of this variant in disease. Therefore, it has been classified as a Variant of Uncertain Significance.

Literature cited by the submitters: PubMed 17576681; PubMed 9536098.

NM_000240.4(MAOA):c.1437+4A>T

Gene: MAOA (monoamine oxidase A; plus strand). Cytogenetic location: Xp11.3.
Variant type: single nucleotide variant.
Coding change: c.1437+4A>T on transcript NM_000240.4 (MANE Select); 4 bases into the intron after coding-DNA position 1437, A replaced by T.
Molecular consequence: intron variant.
Genome position (GRCh38, 1-based): chrX:43,744,175, A>T. VCF-style: chrX-43744175-A-T. GRCh37 (hg19) VCF-style: chrX-43603422-A-T.
Other names: c.1038+4A>T (NM_001270458.2).
Identifiers: ClinVar variation 2106514 (VCV002106514.4), dbSNP rs757097803, ClinGen allele CA2580100938.
Genomic context (GRCh38, chrX:43,744,175, plus strand): 5'-AATGGTCTCGGGAAGGTGACCGAGAAAGATATCTGGGTACAAGAACCTGAATCAAAGGTA[A>T]GTTTGGTGACTCTGGGCACTATCTCTCCTTAGACCAATCATGGAACATAAAACTCACATC-3'